The following is an entry in ClinVar:

ClinVar aggregate classification (germline): Likely pathogenic (1 of 4 stars; one submission).

Conditions:
Marfan Syndrome/Loeys-Dietz Syndrome/Familial Thoracic Aortic Aneurysms and Dissections. Identifiers: MedGen CN229799.

Submission:

Women's Health and Genetics/Laboratory Corporation of America, LabCorp
Classification: Likely pathogenic for Marfan Syndrome/Loeys-Dietz Syndrome/Familial Thoracic Aortic Aneurysms and Dissections. Last evaluated: 2016-02-22. Review status: criteria provided, single submitter. Criteria: LabCorp Variant Classification Summary - May 2015. Collection method: clinical testing. Allele origin: germline.
Comment: Variant summary: This c.4640_4641delCA variant causes a frameshift, which alters the proteins amino acid sequence beginning at position 1547 and leads to a premature termination codon four amino acids downstream. It is predicted to cause a truncated or absent protein product. Mutation taster predicts this variant to be disease-causing. The variant was not observed in the large and broad cohorts of the ExAC project or ESP. The variant of interest was reported in one MFS patient with positive family history (Baudhuin_2015). Truncations downstream of this position have been classified as disease variants by our laboratory (Such as R1596X and R1644X). Considering all, this variant has been classified as Likely Pathogenic until additional information becomes available.

Literature cited by the submitters: PubMed 25652356.

NM_000138.5(FBN1):c.4640_4641del (p.Thr1547fs)

Gene: FBN1 (fibrillin 1; minus strand). Cytogenetic location: 15q21.1.
Variant type: Deletion.
Coding change: c.4640_4641del on transcript NM_000138.5 (MANE Select); coding-DNA positions 4640 to 4641, 2 bases deleted (CA; older notation c.4640_4641delCA).
Protein change: p.Thr1547fs; shifts the reading frame from threonine 1547.
Molecular consequence: frameshift variant.
Genome position (GRCh38, 1-based): chr15:48,468,044-48,468,045, TG deleted on the plus strand (CA on the coding strand, the reverse complement: FBN1 is on the minus strand); deleting any 2 consecutive bases within chr15:48,468,044-48,468,046 gives the same sequence; the c. name uses the placement nearest the transcript's 3' end. VCF-style (leftmost placement, unchanged base first): chr15-48468043-CTG-C. GRCh37 (hg19) VCF-style: chr15-48760240-CTG-C.
Other names: c.4640_4641delCA (NM_000138.4); short protein forms T1547fs.
Identifiers: ClinVar variation 495613 (VCV000495613.1), dbSNP rs1555397163, ClinGen allele CA658683895.